The following is an entry in ClinVar:

ClinVar aggregate classification (germline): Conflicting classifications of pathogenicity. Review status: criteria provided, conflicting classifications (1 of 4 stars). 6 submissions from 6 submitters: Uncertain significance (4); Likely benign (2). Last evaluated 2026-01-23.

Conditions:
Aortic aneurysm, familial thoracic 7 (AAT7). Also called: AORTIC DISSECTION, FAMILIAL, WITH OR WITHOUT AORTIC ANEURYSM. Identifiers: MedGen C3151077, MONDO:0013418, OMIM 613780.
Megacystis-microcolon-intestinal hypoperistalsis syndrome 1. Identifiers: MedGen C5542316, MONDO:0100354, OMIM 249210.
Familial thoracic aortic aneurysm and aortic dissection (TAAD). Also called: Thoracic aortic aneurysms and dissections. Identifiers: Orphanet 91387, MedGen C4707243, MONDO:0019625.

Allele frequency attached by ClinVar (database versions not stated): ExAC 0.00002; gnomAD 0.00003 and 0.00004; gnomAD exomes 0.00004; TOPMed 0.00004; ESP Exome Variant Server 0.00008.
gnomAD v4.1: 65 of 1,614,058 alleles (0.004%); highest among the groups gnomAD compares: Non-Finnish European, 0.0053%; no homozygotes.

Submissions (6):

Women's Health and Genetics/Laboratory Corporation of America, LabCorp
Classification: Uncertain significance. Last evaluated: 2026-01-23. Review status: criteria provided, single submitter. Criteria: LabCorp Variant Classification Summary - May 2015. Collection method: clinical testing. Allele origin: germline.

Labcorp Genetics (formerly Invitae), Labcorp
Classification: Uncertain significance for Aortic aneurysm, familial thoracic 7. Last evaluated: 2026-01-20. Review status: criteria provided, single submitter. Criteria: Invitae Variant Classification Sherloc (09022015). Collection method: clinical testing. Allele origin: germline.
Comment: This sequence change replaces serine, which is neutral and polar, with arginine, which is basic and polar, at codon 418 of the MYLK protein (p.Ser418Arg). This variant is present in population databases (rs377193216, gnomAD 0.007%). This missense change has been observed in individuals with thoracic aortic aneurysm and/or dissection (internal data). ClinVar contains an entry for this variant (Variation ID: 539076). Invitae Evidence Modeling of protein sequence and biophysical properties (such as structural, functional, and spatial information, amino acid conservation, physicochemical variation, residue mobility, and thermodynamic stability) indicates that this missense variant is not expected to disrupt MYLK protein function with a negative predictive value of 95%. In summary, the available evidence is currently insufficient to determine the role of this variant in disease. Therefore, it has been classified as a Variant of Uncertain Significance.

GeneDx
Classification: Uncertain significance. Last evaluated: 2025-01-08. Review status: criteria provided, single submitter. Criteria: GeneDx Variant Classification Process June 2021. Collection method: clinical testing. Allele origin: germline. Affected: yes.
Comment: Has not been previously published as pathogenic or benign to our knowledge; In silico analysis indicates that this missense variant does not alter protein structure/function

Ambry Genetics
Classification: Likely benign for Familial thoracic aortic aneurysm and aortic dissection. Last evaluated: 2024-04-20. Review status: criteria provided, single submitter. Criteria: Ambry Variant Classification Scheme 2023. Collection method: clinical testing. Allele origin: germline.

Fulgent Genetics
Classification: Uncertain significance for Megacystis-microcolon-intestinal hypoperistalsis syndrome 1; Aortic aneurysm, familial thoracic 7. Last evaluated: 2021-10-17. Review status: criteria provided, single submitter. Criteria: ACMG Guidelines, 2015. Collection method: clinical testing. Allele origin: unknown.

Blueprint Genetics
Classification: Likely benign. Last evaluated: 2019-07-22. Review status: criteria provided, single submitter. Criteria: ACMG Guidelines, 2015. Collection method: clinical testing. Allele origin: germline.

NM_053025.4(MYLK):c.1254C>G (p.Ser418Arg)

Gene: MYLK (myosin light chain kinase; minus strand). Cytogenetic location: 3q21.1.
Variant type: single nucleotide variant.
Coding change: c.1254C>G on transcript NM_053025.4 (MANE Select); coding-DNA position 1254, C replaced by G.
Protein change: p.Ser418Arg; replaces serine 418 with arginine.
Molecular consequence: missense variant.
Genome position (GRCh38, 1-based): chr3:123,733,742, G>C on the plus strand (C>G on the coding strand, the complement: MYLK is on the minus strand). VCF-style: chr3-123733742-G-C. GRCh37 (hg19) VCF-style: chr3-123452589-G-C.
Other names: c.726C>G, p.Ser242Arg (NM_001321309.2); c.1254C>G, p.Ser418Arg (NM_053026.4, NM_053027.4, NM_053028.4); short protein forms S418R, S242R.
Identifiers: ClinVar variation 539076 (VCV000539076.18), dbSNP rs377193216, ClinGen allele CA066857.